The following is an entry in ClinVar:

ClinVar aggregate classification (germline): Uncertain significance (1 of 4 stars; one submission).

Allele frequency attached by ClinVar (database versions not stated): gnomAD exomes 0.00001.

Submission:

Labcorp Genetics (formerly Invitae), Labcorp
Classification: Uncertain significance. Last evaluated: 2023-10-17. Review status: criteria provided, single submitter. Criteria: Invitae Variant Classification Sherloc (09022015). Collection method: clinical testing. Allele origin: germline.
Comment: This sequence change replaces alanine, which is neutral and non-polar, with valine, which is neutral and non-polar, at codon 416 of the SIAE protein (p.Ala416Val). This variant is present in population databases (no rsID available, gnomAD 0.003%). This variant has not been reported in the literature in individuals affected with SIAE-related conditions. Algorithms developed to predict the effect of missense changes on protein structure and function output the following: SIFT: "Not Available"; PolyPhen-2: "Benign"; Align-GVGD: "Not Available". The valine amino acid residue is found in multiple mammalian species, which suggests that this missense change does not adversely affect protein function. In summary, the available evidence is currently insufficient to determine the role of this variant in disease. Therefore, it has been classified as a Variant of Uncertain Significance.

NM_170601.5(SIAE):c.1247C>T (p.Ala416Val)

Gene: SIAE (sialic acid acetylesterase; minus strand). Cytogenetic location: 11q24.2.
Variant type: single nucleotide variant.
Coding change: c.1247C>T on transcript NM_170601.5 (MANE Select); coding-DNA position 1247, C replaced by T.
Protein change: p.Ala416Val; replaces alanine 416 with valine.
Molecular consequence: missense variant.
Genome position (GRCh38, 1-based): chr11:124,638,615, G>A on the plus strand (C>T on the coding strand, the complement: SIAE is on the minus strand). VCF-style: chr11-124638615-G-A. GRCh37 (hg19) VCF-style: chr11-124508511-G-A.
Other names: c.1142C>T, p.Ala381Val (NM_001199922.2); short protein forms A416V, A381V.
Identifiers: ClinVar variation 2988291 (VCV002988291.3), dbSNP rs1340434125, ClinGen allele CA383144273.